The following is an entry in ClinVar:

ClinVar aggregate classification (germline): Uncertain significance (1 of 4 stars; one submission).

Submission:

GeneDx
Classification: Uncertain significance. Last evaluated: 2017-02-07. Review status: criteria provided, single submitter. Criteria: GeneDx Variant Classification (06012015). Collection method: clinical testing. Allele origin: germline. Affected: yes.
Comment: The F647I variant in the DMD gene has not been reported previously as a pathogenic variant, nor as a benign variant, to our knowledge. This variant is not observed in large population cohorts (Lek et al., 2016; 1000 Genomes Consortium et al., 2015; Exome Variant Server). The F647I variant is a conservative amino acid substitution, which is not likely to impact secondary protein structure as these residues share similar properties. This substitution occurs at a position that is conserved across species. In silico analysis is inconsistent in its predictions as to whether or not the variant is damaging to the protein structure/function. We interpret F647I as a variant of uncertain significance.

NM_004006.3(DMD):c.1939T>A (p.Phe647Ile)

Gene: DMD (dystrophin; minus strand). Cytogenetic location: Xp21.1.
Variant type: single nucleotide variant.
Coding change: c.1939T>A on transcript NM_004006.3 (MANE Select); coding-DNA position 1939, T replaced by A.
Protein change: p.Phe647Ile; replaces phenylalanine 647 with isoleucine.
Molecular consequence: missense variant.
Genome position (GRCh38, 1-based): chrX:32,565,755, A>T on the plus strand (T>A on the coding strand, the complement: DMD is on the minus strand). VCF-style: chrX-32565755-A-T. GRCh37 (hg19) VCF-style: chrX-32583872-A-T.
Other names: c.1915T>A, p.Phe639Ile (NM_000109.4); c.1927T>A, p.Phe643Ile (NM_004009.3); c.1570T>A, p.Phe524Ile (NM_004010.3); short protein forms F647I, F524I, F643I, F639I.
Identifiers: ClinVar variation 393286 (VCV000393286.2), dbSNP rs1057524872, ClinGen allele CA16608846.